The following is an entry in ClinVar:

NM_000329.3(RPE65):c.597T>A (p.Asn199Lys)

Gene: RPE65 (retinoid isomerohydrolase RPE65; minus strand). Cytogenetic location: 1p31.3.
Variant type: single nucleotide variant.
Coding change: c.597T>A on transcript NM_000329.3 (MANE Select); coding-DNA position 597, T replaced by A.
Protein change: p.Asn199Lys; replaces asparagine 199 with lysine.
Molecular consequence: missense variant.
Genome position (GRCh38, 1-based): chr1:68,440,899, A>T on the plus strand (T>A on the coding strand, the complement: RPE65 is on the minus strand). VCF-style: chr1-68440899-A-T. GRCh37 (hg19) VCF-style: chr1-68906582-A-T.
Other names: c.489T>A, p.Asn163Lys (NM_001406853.1); c.321T>A, p.Asn107Lys (NM_001406856.1, NM_001406857.1); c.597T>A, p.Asn199Lys (NM_001406859.1); c.597T>A (NM_000329.2); short protein forms N107K, N163K, N199K.
Identifiers: ClinVar variation 2079739 (VCV002079739.3), dbSNP rs141527042, ClinGen allele CA902458.
Genomic context (GRCh38, chr1:68,440,899, plus strand): 5'-ATTGGTAAACTCACCTGCTTGCAGTGGTGGGATCTTTACAATGTTGTAGGCAATTGAAAA[A>T]TTTTTTCCAAAGCAATTACCAATATTGTAAACGGTTCCATCATTTTCAATGTGGGGGTGA-3'
Protein context (NP_000320.1, residues 189-209): VYNIGNCFGK[Asn199Lys]FSIAYNIVKI

ClinVar aggregate classification (germline): Uncertain significance. Review status: criteria provided, multiple submitters, no conflicts (2 of 4 stars). 3 submissions from 3 submitters: Uncertain significance (3). Last evaluated 2024-02-28.

Conditions:
Inborn genetic diseases. Identifiers: MedGen C0950123, MeSH D030342.
Leber congenital amaurosis 2 (LCA2). Also called: AMAUROSIS CONGENITA OF LEBER II; Autosomal Recessive RPE65-Related Retinal Degeneration. Identifiers: Orphanet 65, MedGen C1859844, MONDO:0008765, OMIM 204100. Disease mechanism: loss of function.
Retinitis pigmentosa 20 (RP20). Identifiers: Orphanet 791, MedGen C3151086, MONDO:0013425, OMIM 613794.

Allele frequency attached by ClinVar (database versions not stated): gnomAD exomes 0.00001; ExAC 0.00002; TOPMed 0.00002; gnomAD 0.00003; ESP Exome Variant Server 0.00008.
gnomAD v4.1: 17 of 1,613,834 alleles (0.0011%); highest among the groups gnomAD compares: East Asian, 0.016%; no homozygotes.

Submissions (3):

Ambry Genetics
Classification: Uncertain significance for Inborn genetic diseases. Last evaluated: 2024-02-28. Review status: criteria provided, single submitter. Criteria: Ambry Variant Classification Scheme 2023. Collection method: clinical testing. Allele origin: germline.

Blueprint Genetics
Classification: Uncertain significance. Last evaluated: 2023-09-26. Review status: criteria provided, single submitter. Criteria: ACMG Guidelines, 2015. Collection method: clinical testing. Allele origin: germline.

Labcorp Genetics (formerly Invitae), Labcorp
Classification: Uncertain significance for Leber congenital amaurosis 2; Retinitis pigmentosa 20. Last evaluated: 2022-03-11. Review status: criteria provided, single submitter. Criteria: Invitae Variant Classification Sherloc (09022015). Collection method: clinical testing. Allele origin: germline.
Comment: This sequence change replaces asparagine, which is neutral and polar, with lysine, which is basic and polar, at codon 199 of the RPE65 protein (p.Asn199Lys). This variant is present in population databases (rs141527042, gnomAD 0.03%). This variant has not been reported in the literature in individuals affected with RPE65-related conditions. Algorithms developed to predict the effect of missense changes on protein structure and function are either unavailable or do not agree on the potential impact of this missense change (SIFT: "Deleterious"; PolyPhen-2: "Benign"; Align-GVGD: "Class C0"). In summary, the available evidence is currently insufficient to determine the role of this variant in disease. Therefore, it has been classified as a Variant of Uncertain Significance.